The following is an entry in ClinVar:

ClinVar aggregate classification (germline): Pathogenic. Review status: criteria provided, multiple submitters, no conflicts (2 of 4 stars). 4 submissions from 4 submitters: Pathogenic (4). Last evaluated 2024-01-21.

Conditions:
Hereditary cancer-predisposing syndrome. Also called: Neoplastic Syndromes, Hereditary; Tumor predisposition; Hereditary Cancer Syndrome; Hereditary neoplastic syndrome. Identifiers: Orphanet 140162, MedGen C0027672, MeSH D009386, MONDO:0015356.
Familial cancer of breast. Also called: BREAST CANCER, FAMILIAL; hereditary breast carcinoma; Hereditary breast cancer. Identifiers: Orphanet 227535, MedGen C0346153, MONDO:0016419, OMIM 114480. Disease mechanism: loss of function.

Submissions (4):

Labcorp Genetics (formerly Invitae), Labcorp
Classification: Pathogenic for Familial cancer of breast. Last evaluated: 2024-01-21. Review status: criteria provided, single submitter. Criteria: Invitae Variant Classification Sherloc (09022015). Collection method: clinical testing. Allele origin: germline.
Comment: This sequence change creates a premature translational stop signal (p.Arg424Glufs*51) in the BARD1 gene. It is expected to result in an absent or disrupted protein product. Loss-of-function variants in BARD1 are known to be pathogenic (PMID: 20077502, 21344236). This variant is not present in population databases (gnomAD no frequency). This premature translational stop signal has been observed in individual(s) with breast cancer (PMID: 32427313). ClinVar contains an entry for this variant (Variation ID: 234190). For these reasons, this variant has been classified as Pathogenic.

Myriad Genetics, Inc.
Classification: Pathogenic for Familial cancer of breast. Last evaluated: 2023-05-22. Review status: criteria provided, single submitter. Criteria: Myriad Autosomal Dominant, Autosomal Recessive and X-Linked Classification Criteria (2023). Collection method: clinical testing. Allele origin: unknown.
Comment: This variant is considered pathogenic. This variant creates a frameshift predicted to result in premature protein truncation.

Ambry Genetics
Classification: Pathogenic for Hereditary cancer-predisposing syndrome. Last evaluated: 2022-12-28. Review status: criteria provided, single submitter. Criteria: Ambry Variant Classification Scheme 2023. Collection method: clinical testing. Allele origin: germline.
Comment: The c.1270delA pathogenic mutation, located in coding exon 4 of the BARD1 gene, results from a deletion of one nucleotide at nucleotide position 1270, causing a translational frameshift with a predicted alternate stop codon (p.R424Efs*51). This alteration is expected to result in loss of function by premature protein truncation or nonsense-mediated mRNA decay. As such, this alteration is interpreted as a disease-causing mutation.

Color Diagnostics, LLC DBA Color Health
Classification: Pathogenic for Hereditary cancer-predisposing syndrome. Last evaluated: 2021-11-22. Review status: criteria provided, single submitter. Criteria: ACMG Guidelines, 2015. Collection method: clinical testing. Allele origin: germline.
Comment: This variant deletes 1 nucleotide in exon 4 of the BARD1 gene, creating a frameshift and premature translation stop signal. This variant is expected to result in an absent or non-functional protein product. To our knowledge, this variant has not been reported in individuals affected with hereditary cancer in the literature. This variant has not been identified in the general population by the Genome Aggregation Database (gnomAD). Loss of BARD1 function is a known mechanism of disease. Based on the available evidence, this variant is classified as Pathogenic.

Literature cited by the submitters: PubMed 20077502 (cited by Labcorp Genetics (formerly Invitae), Labcorp); PubMed 21344236 (cited by Labcorp Genetics (formerly Invitae), Labcorp); PubMed 32427313 (cited by Labcorp Genetics (formerly Invitae), Labcorp).

NM_000465.4(BARD1):c.1270del (p.Arg424fs)

Gene: BARD1 (BRCA1 associated RING domain 1; minus strand). Cytogenetic location: 2q35.
Variant type: Deletion.
Coding change: c.1270del on transcript NM_000465.4 (MANE Select); coding-DNA position 1270, one base deleted (A; older notation c.1270delA).
Protein change: p.Arg424fs; shifts the reading frame from arginine 424.
Molecular consequence: frameshift variant. On other transcripts: non-coding transcript variant (2), intron variant (3).
Genome position (GRCh38, 1-based): chr2:214,780,604, T deleted on the plus strand (A on the coding strand, the reverse complement: BARD1 is on the minus strand); the first of 4 consecutive T bases (chr2:214,780,604-214,780,607); deleting any one gives the same sequence. VCF-style (leftmost placement, unchanged base first): chr2-214780603-CT-C. GRCh37 (hg19) VCF-style: chr2-215645327-CT-C.
Other names: c.1213del, p.Arg405fs (NM_001282543.2); c.159-28049del (NM_001282548.2); c.215+16457del (NM_001282545.2); c.364+11693del (NM_001282549.2); short protein forms R405fs, R424fs.
Identifiers: ClinVar variation 234190 (VCV000234190.14), dbSNP rs876660911, ClinGen allele CA10577815.